The following is an entry in ClinVar:

ClinVar aggregate classification (germline): Uncertain significance (1 of 4 stars; one submission).

gnomAD v4.1: 2 of 1,599,838 alleles (0.00013%); no homozygotes.

Submission:

Labcorp Genetics (formerly Invitae), Labcorp
Classification: Uncertain significance. Last evaluated: 2025-10-21. Review status: criteria provided, single submitter. Criteria: Invitae Variant Classification Sherloc (09022015). Collection method: clinical testing. Allele origin: germline.
Comment: This sequence change replaces glutamic acid, which is acidic and polar, with lysine, which is basic and polar, at codon 645 of the SEC63 protein (p.Glu645Lys). This variant is present in population databases (no rsID available, gnomAD 0.003%). This variant has not been reported in the literature in individuals affected with SEC63-related conditions. An algorithm developed to predict the effect of missense changes on protein structure and function (PolyPhen-2) suggests that this variant is likely to be disruptive. In summary, the available evidence is currently insufficient to determine the role of this variant in disease. Therefore, it has been classified as a Variant of Uncertain Significance.

NM_007214.5(SEC63):c.1933G>A (p.Glu645Lys)

Gene: SEC63 (SEC63 protein translocation regulator; minus strand). Cytogenetic location: 6q21.
Variant type: single nucleotide variant.
Coding change: c.1933G>A on transcript NM_007214.5 (MANE Select); coding-DNA position 1933, G replaced by A.
Protein change: p.Glu645Lys; replaces glutamic acid 645 with lysine.
Molecular consequence: missense variant.
Genome position (GRCh38, 1-based): chr6:107,881,151, C>T on the plus strand (G>A on the coding strand, the complement: SEC63 is on the minus strand). VCF-style: chr6-107881151-C-T. GRCh37 (hg19) VCF-style: chr6-108202355-C-T.
Other names: short protein forms E645K.
Identifiers: ClinVar variation 4737272 (VCV004737272.1).